The following is an entry in ClinVar:

ClinVar aggregate classification (germline): Uncertain significance (1 of 4 stars; one submission).

Submission:

Dasa
Classification: Uncertain significance. Last evaluated: 2024-10-22. Review status: criteria provided, single submitter. Criteria: DASA Assertion Criteria. Collection method: clinical testing. Allele origin: germline.
Comment: NM_139058.3(ARX):c.356C>A (p.Ala119Glu) is a missense variant that results in the substitution of alanine with glutamic acid. This variant is rare in population databases. Computational prediction algorithms are consistent with a benign effect. The currently available literature and clinical evidence are not sufficient to establish a definitive association between this variant and the reported condition. Therefore, this variant is classified as a variant of uncertain significance.

NM_139058.3(ARX):c.356C>A (p.Ala119Glu)

Genes: ARX (aristaless related homeobox; minus strand), LOC109610631 (aristaless related homeobox polyalanine expansion region; plus strand). Cytogenetic location: Xp21.3.
Variant type: single nucleotide variant.
Coding change: c.356C>A on transcript NM_139058.3 (MANE Select); coding-DNA position 356, C replaced by A.
Protein change: p.Ala119Glu; replaces alanine 119 with glutamic acid.
Molecular consequence: missense variant.
Genome position (GRCh38, 1-based): chrX:25,013,639, G>T on the plus strand (C>A on the coding strand, the complement: ARX is on the minus strand). VCF-style: chrX-25013639-G-T. GRCh37 (hg19) VCF-style: chrX-25031756-G-T.
Other names: short protein forms A119E.
Identifiers: ClinVar variation 4885481 (VCV004885481.2).
Genomic context (GRCh38, chrX:25,013,639, plus strand): 5'-GGCCGTTCCCCGGGCCGCGCGGTTGGCGGTGGCGGCGGAGGGGCCTCCCCGCGTGGACCC[G>T]CCGTGGCCGTGGCGGCCGCTGCCGCCGCCGCCGCCGCCGCCGCCGCCGCCGCTGCCGCAC-3'
Protein context (NP_620689.1, residues 109-129): AAAAAAATAT[Ala119Glu]GPRGEAPPPP